The following is an entry in ClinVar:

ClinVar aggregate classification (germline): Benign. Review status: criteria provided, multiple submitters, no conflicts (2 of 4 stars). 13 submissions from 11 submitters: Benign (10). 3 of the submissions do not count toward it. Last evaluated 2026-02-04.

Conditions:
Brachydactyly type B1 (BDB1). Identifiers: Orphanet 572385, Orphanet 93383, MedGen C1862112, MONDO:0007220, OMIM 113000.
Autosomal recessive Robinow syndrome (RRS1). Also called: ROR2-Related Robinow Syndrome; COSTOVERTEBRAL SEGMENTATION DEFECT WITH MESOMELIA; COVESDEM SYNDROME; ROBINOW SYNDROME, AUTOSOMAL RECESSIVE 1. Identifiers: Orphanet 1507, Orphanet 97360, MedGen C5399974, MONDO:0009999, OMIM 268310.

Allele frequency attached by ClinVar (database versions not stated): gnomAD exomes 0.62001 and 0.64324; ExAC 0.63180; 1000 Genomes Project 30x 0.64194; 1000 Genomes Project 0.64497; TOPMed 0.65703; gnomAD 0.66105 and 0.66416; ESP Exome Variant Server 0.67884.
gnomAD v4.1: 1,039,698 of 1,611,554 alleles (65%); highest among the groups gnomAD compares: African/African-American, 75%; 337,026 homozygotes.

Submissions (13):

Labcorp Genetics (formerly Invitae), Labcorp
Classification: Benign. Last evaluated: 2026-02-04. Review status: criteria provided, single submitter. Criteria: Invitae Variant Classification Sherloc (09022015). Collection method: clinical testing. Allele origin: germline.

Blueprint Genetics
Classification: Benign. Last evaluated: 2024-11-27. Review status: criteria provided, single submitter. Criteria: ACMG Guidelines, 2015. Collection method: clinical testing. Allele origin: germline.

Genome-Nilou Lab
Classification: Benign for Brachydactyly type B1. Last evaluated: 2021-11-07. Review status: criteria provided, single submitter. Criteria: ACMG Guidelines, 2015. Collection method: clinical testing. Allele origin: germline. Affected: no.

Genome-Nilou Lab
Classification: Benign for Autosomal recessive Robinow syndrome. Last evaluated: 2021-11-07. Review status: criteria provided, single submitter. Criteria: ACMG Guidelines, 2015. Collection method: clinical testing. Allele origin: germline. Affected: no.

GeneDx
Classification: Benign. Last evaluated: 2018-07-26. Review status: criteria provided, single submitter. Criteria: GeneDx Variant Classification Process June 2021. Collection method: clinical testing. Allele origin: germline. Affected: yes.

Illumina Laboratory Services, Illumina
Classification: Benign for Autosomal recessive Robinow syndrome. Last evaluated: 2018-01-13. Review status: criteria provided, single submitter. Criteria: ICSL Variant Classification Criteria 13 December 2019. Collection method: clinical testing. Allele origin: germline.
Comment: This variant was observed in the ICSL laboratory as part of a predisposition screen in an ostensibly healthy population. It had not been previously curated by ICSL or reported in the Human Gene Mutation Database (HGMD: prior to June 1st, 2018), and was therefore a candidate for classification through an automated scoring system. Utilizing variant allele frequency, disease prevalence and penetrance estimates, and inheritance mode, an automated score was calculated to assess if this variant is too frequent to cause the disease. Based on the score and internal cut-off values, a variant classified as benign is not then subjected to further curation. The score for this variant resulted in a classification of benign for this disease.

Illumina Laboratory Services, Illumina
Classification: Benign for Brachydactyly type B1. Last evaluated: 2018-01-13. Review status: criteria provided, single submitter. Criteria: ICSL Variant Classification Criteria 13 December 2019. Collection method: clinical testing. Allele origin: germline.
Comment: the same text as in the submission from Illumina Laboratory Services, Illumina above.

Eurofins Ntd Llc (ga)
Classification: Benign. Last evaluated: 2014-10-09. Review status: criteria provided, single submitter. Criteria: EGL Classification Definitions 2015. Collection method: clinical testing. Allele origin: germline. Observed: 7 variant alleles, 6 heterozygotes, 1 homozygote.

Breakthrough Genomics
Classification: Benign. Review status: criteria provided, single submitter. Criteria: ACMG Guidelines, 2015. Collection method: not provided. Allele origin: germline. Inheritance: Autosomal recessive inheritance. Affected: yes.

PreventionGenetics, part of Exact Sciences
Classification: Benign. Review status: criteria provided, single submitter. Criteria: ACMG Guidelines, 2015. Collection method: clinical testing. Allele origin: germline.

Diagnostic Laboratory, Department of Genetics, University Medical Center Groningen
Classification: Benign. Review status: no assertion criteria provided. Collection method: clinical testing. Allele origin: germline. Affected: yes. Study: VKGL Data-share Consensus. Not counted in ClinVar's aggregate classification.

Genetic Services Laboratory, University of Chicago
Classification: Likely benign. Review status: no assertion criteria provided. Collection method: clinical testing. Allele origin: germline. Inheritance: Autosomal recessive inheritance. Not counted in ClinVar's aggregate classification.
Comment: Likely benign based on allele frequency in 1000 Genomes Project or ESP global frequency and its presence in a patient with a rare or unrelated disease phenotype. NOT Sanger confirmed

Joint Genome Diagnostic Labs from Nijmegen and Maastricht, Radboudumc and MUMC+
Classification: Benign. Review status: no assertion criteria provided. Collection method: clinical testing. Allele origin: germline. Affected: yes. Study: VKGL Data-share Consensus. Not counted in ClinVar's aggregate classification.

NM_004560.4(ROR2):c.733A>G (p.Thr245Ala)

Gene: ROR2 (ROR family WNT receptor 2; minus strand). Cytogenetic location: 9q22.31.
Variant type: single nucleotide variant.
Coding change: c.733A>G on transcript NM_004560.4 (MANE Select); coding-DNA position 733, A replaced by G.
Protein change: p.Thr245Ala; replaces threonine 245 with alanine.
Molecular consequence: missense variant.
Genome position (GRCh38, 1-based): chr9:91,733,326, T>C on the plus strand (A>G on the coding strand, the complement: ROR2 is on the minus strand). VCF-style: chr9-91733326-T-C. GRCh37 (hg19) VCF-style: chr9-94495608-T-C.
Other names: c.733A>G, p.Thr245Ala (NM_001318204.2); short protein forms T245A.
Identifiers: ClinVar variation 159821 (VCV000159821.33), dbSNP rs10820900, ClinGen allele CA173332.